The following is an entry in ClinVar:

ClinVar aggregate classification (germline): Pathogenic (1 of 4 stars; one submission).

Conditions:
3p- syndrome. Also called: Chromosome 3pter-p25 deletion syndrome; 3p deletion syndrome; Deletion 3p25; Chromosome 3, monosomy 3p25; Del(3p) syndrome; Chromosome 3, monosomy 3p. Identifiers: Orphanet 1620, MedGen C4706503, MONDO:0013424, OMIM 613792.

Submission:

Broad Center for Mendelian Genomics, Broad Institute of MIT and Harvard
Classification: Pathogenic for 3p- syndrome. Last evaluated: 2022-08-25. Review status: criteria provided, single submitter. Criteria: ACMG/ClinGen CNV Guidelines, 2019. Collection method: curation. Allele origin: germline. Inheritance: Sporadic. Affected: yes.
Comment: There is complete overlap with the KAT2B and SATB1 genes, which are not known to be haploinsufficient and have not been assessed by the ClinGen Dosage Sensitivity Working Group. Though dosage sensitivity has not been established, the Decipher database has predicted KAT2B and SATB1 genes to be haploinsufficient. Data from large population studies is insufficient to assess the frequency of this variant. A reported proband from the literature (PMID: 33513338) has a a copy-number loss in SATB1. This variant is confirmed de novo and the reported phenotype of the proband is nonspecific (intellectual disability, developmental delay, speech delay). In summary, this variant meets criteria to be classified as pathogenic for autosomal dominant chromosome 3pter-p25 deletion syndrome. The ACMG/ClinGen evidence codes and points used in this curation are as follows: 1A: 0 points, 2H: 0.15 points, 3C: 0.90 points, 4: 0.15 points, 5A: 0.15 points; Total: 1.35 points; Riggs 2020 (PMID: 31690835).

Single allele

Genes: FGD5 (FYVE, RhoGEF and PH domain containing 5; plus strand), PLCL2 (phospholipase C like 2; plus strand), PLCL2-AS1 (PLCL2 antisense RNA 1; minus strand), PLCL2UT (PLCL2 upstream transcript; plus strand), MIR3134 (microRNA 3134; minus strand) and 242 more. Cytogenetic location: 3p25.1-24.3.
Variant type: Deletion.
Identifiers: ClinVar variation 1703229 (VCV001703229.1).